The following is an entry in ClinVar:

NM_206933.4(USH2A):c.5983dup (p.Asp1995fs)

Gene: USH2A (usherin; minus strand). Cytogenetic location: 1q41.
Variant type: Duplication.
Coding change: c.5983dup on transcript NM_206933.4 (MANE Select); coding-DNA position 5983, one base duplicated (G; older notation c.5983dupG).
Protein change: p.Asp1995fs; shifts the reading frame from aspartic acid 1995.
Molecular consequence: frameshift variant.
Genome position (GRCh38, 1-based): chr1:216,070,167, C duplicated on the plus strand (G on the coding strand, the reverse complement: USH2A is on the minus strand); the first of 2 consecutive C bases (chr1:216,070,167-216,070,168); duplicating either gives the same sequence. VCF-style (leftmost placement, unchanged base first): chr1-216070166-T-TC. GRCh37 (hg19) VCF-style: chr1-216243508-T-TC.
Other names: short protein forms D1995fs.
Identifiers: ClinVar variation 1456814 (VCV001456814.6), dbSNP rs2102546096, ClinGen allele CA2573131620.

ClinVar aggregate classification (germline): Pathogenic (1 of 4 stars; one submission).

Submission:

Labcorp Genetics (formerly Invitae), Labcorp
Classification: Pathogenic. Last evaluated: 2021-04-23. Review status: criteria provided, single submitter. Criteria: Invitae Variant Classification Sherloc (09022015). Collection method: clinical testing. Allele origin: germline.
Comment: For these reasons, this variant has been classified as Pathogenic. This variant has not been reported in the literature in individuals with USH2A-related conditions. This variant is not present in population databases (ExAC no frequency). This sequence change creates a premature translational stop signal (p.Asp1995Glyfs*14) in the USH2A gene. It is expected to result in an absent or disrupted protein product. Loss-of-function variants in USH2A are known to be pathogenic (PMID: 10729113, 10909849, 20507924, 25649381).

Literature cited by the submitters: PubMed 10729113; PubMed 10909849; PubMed 20507924; PubMed 25649381.